The following is an entry in ClinVar:

NM_000525.4(KCNJ11):c.902G>C (p.Arg301Pro)

Gene: KCNJ11 (potassium inwardly rectifying channel subfamily J member 11; minus strand). Cytogenetic location: 11p15.1.
Variant type: single nucleotide variant.
Coding change: c.902G>C on transcript NM_000525.4 (MANE Select); coding-DNA position 902, G replaced by C.
Protein change: p.Arg301Pro; replaces arginine 301 with proline.
Molecular consequence: missense variant.
Genome position (GRCh38, 1-based): chr11:17,387,190, C>G on the plus strand (G>C on the coding strand, the complement: KCNJ11 is on the minus strand). VCF-style: chr11-17387190-C-G. GRCh37 (hg19) VCF-style: chr11-17408737-C-G.
Other names: c.641G>C, p.Arg214Pro (NM_001166290.2, NM_001377296.1, NM_001377297.1); short protein forms R301P, R214P.
Identifiers: ClinVar variation 847800 (VCV000847800.10), dbSNP rs74339576, ClinGen allele CA379770011.

ClinVar aggregate classification (germline): Conflicting classifications of pathogenicity. Review status: criteria provided, conflicting classifications (1 of 4 stars). 2 submissions from 2 submitters: Pathogenic (1); Uncertain significance (1). Last evaluated 2019-12-20.

Conditions:
Monogenic diabetes. Identifiers: Orphanet 183625, MedGen C3888631, MONDO:0015967.

Submissions (2):

Labcorp Genetics (formerly Invitae), Labcorp
Classification: Pathogenic. Last evaluated: 2019-12-20. Review status: criteria provided, single submitter. Criteria: Invitae Variant Classification Sherloc (09022015). Collection method: clinical testing. Allele origin: germline.
Comment: This sequence change replaces arginine with proline at codon 301 of the KCNJ11 protein (p.Arg301Pro). The arginine residue is highly conserved and there is a moderate physicochemical difference between arginine and proline. This variant is not present in population databases (ExAC no frequency). This variant has been observed in individual(s) with familial hyperinsulinism (PMID: 18250167, 21115269, 28787272). It has also been observed to segregate with disease in related individuals. This variant has been reported to affect KCNJ11 protein function (PMID: 18250167). This variant disrupts the p.Arg301 amino acid residue in KCNJ11. Other variant(s) that disrupt this residue have been determined to be pathogenic (PMID: 14715863, 15562009, 23275527, 23345197, 18250167, 20685672). This suggests that this residue is clinically significant, and that variants that disrupt this residue are likely to be disease-causing. For these reasons, this variant has been classified as Pathogenic.

Personalized Diabetes Medicine Program, University of Maryland School of Medicine
Classification: Uncertain significance for Monogenic diabetes. Last evaluated: 2018-06-29. Review status: criteria provided, single submitter. Criteria: ACMG Guidelines, 2015. Collection method: research. Allele origin: unknown. Observed: 1 variant allele, 1 heterozygote.
Comment: ACMG criteria: PP3 (11 predictors; Revel score 0.984), PM2 = VUS Variant found in homozygous state in patients with congenital hyperinsulinism (PMID: 18250167, 21115269- PGD paper); c.902G>A/p.Arg301His/rs74339567 (PMID: 15562009, 16357843- focal hyperinsulinism); Variant shown to be LOF (PMID: 18250167), which is consistent with hyperinsulinemia. GOF mutations cause DM

Literature cited by the submitters: PubMed 18250167 (cited by Labcorp Genetics (formerly Invitae), Labcorp and Personalized Diabetes Medicine Program, University of Maryland School of Medicine); PubMed 21115269 (cited by Labcorp Genetics (formerly Invitae), Labcorp and Personalized Diabetes Medicine Program, University of Maryland School of Medicine); PubMed 28787272 (cited by Labcorp Genetics (formerly Invitae), Labcorp); PubMed 14715863 (cited by Labcorp Genetics (formerly Invitae), Labcorp); PubMed 15562009 (cited by Labcorp Genetics (formerly Invitae), Labcorp and Personalized Diabetes Medicine Program, University of Maryland School of Medicine); PubMed 23275527 (cited by Labcorp Genetics (formerly Invitae), Labcorp); PubMed 23345197 (cited by Labcorp Genetics (formerly Invitae), Labcorp); PubMed 20685672 (cited by Labcorp Genetics (formerly Invitae), Labcorp); PubMed 16357843 (cited by Personalized Diabetes Medicine Program, University of Maryland School of Medicine).